The following is an entry in ClinVar:

ClinVar aggregate classification (germline): Uncertain significance. Review status: criteria provided, multiple submitters, no conflicts (2 of 4 stars). 3 submissions from 3 submitters: Uncertain significance (3). Last evaluated 2025-10-13.

Conditions:
Familial cancer of breast. Also called: Hereditary breast cancer; BREAST CANCER, FAMILIAL; hereditary breast carcinoma. Identifiers: Orphanet 227535, MedGen C0346153, MONDO:0016419, OMIM 114480. Disease mechanism: loss of function.
Hereditary cancer-predisposing syndrome. Also called: Hereditary neoplastic syndrome; Neoplastic Syndromes, Hereditary; Tumor predisposition; Hereditary Cancer Syndrome. Identifiers: Orphanet 140162, MedGen C0027672, MeSH D009386, MONDO:0015356.

Submissions (3):

Labcorp Genetics (formerly Invitae), Labcorp
Classification: Uncertain significance for Familial cancer of breast. Last evaluated: 2025-10-13. Review status: criteria provided, single submitter. Criteria: Invitae Variant Classification Sherloc (09022015). Collection method: clinical testing. Allele origin: germline.
Comment: This sequence change falls in intron 13 of the CHEK2 gene. It does not directly change the encoded amino acid sequence of the CHEK2 protein. It affects a nucleotide within the consensus splice site. This variant is not present in population databases (gnomAD no frequency). This variant has not been reported in the literature in individuals affected with CHEK2-related conditions. ClinVar contains an entry for this variant (Variation ID: 422651). Variants that disrupt the consensus splice site are a relatively common cause of aberrant splicing (PMID: 17576681, 9536098). Algorithms developed to predict the effect of sequence changes on RNA splicing suggest that this variant is not likely to affect RNA splicing. In summary, the available evidence is currently insufficient to determine the role of this variant in disease. Therefore, it has been classified as a Variant of Uncertain Significance.

Color Diagnostics, LLC DBA Color Health
Classification: Uncertain significance for Hereditary cancer-predisposing syndrome. Last evaluated: 2024-11-26. Review status: criteria provided, single submitter. Criteria: ACMG Guidelines, 2015. Collection method: clinical testing. Allele origin: germline.
Comment: This variant causes a T to C nucleotide substitution at the +6 position of intron 13 of the CHEK2 gene. To our knowledge, functional studies have not been reported for this variant. This variant has not been reported in individuals affected with CHEK2-related disorders in the literature. This variant has not been identified in the general population by the Genome Aggregation Database (gnomAD). The available evidence is insufficient to determine the role of this variant in disease conclusively. Therefore, this variant is classified as a Variant of Uncertain Significance.

GeneDx
Classification: Uncertain significance. Last evaluated: 2016-10-31. Review status: criteria provided, single submitter. Criteria: GeneDx Variant Classification (06012015). Collection method: clinical testing. Allele origin: germline. Affected: yes.
Comment: This variant is denoted CHEK2 c.1461+6T>C or IVS13+6T>C and consists of a T>C nucleotide substitution at the +6 position of intron 13 of the CHEK2 gene. Multiple in silico models predict this variant to damage the nearby natural donor site and to possibly cause abnormal gene splicing. However, in the absence of RNA or functional studies, the actual effect of this variant is unknown. This variant has not, to our knowledge, been published in the literature as pathogenic or benign. CHEK2 c.1461+6T>C was not observed in approximately 6,500 individuals of European and African American ancestry in the NHLBI Exome Sequencing Project, suggesting it is not a common benign variant in these populations. The thymine (T) nucleotide that is altered is conserved across species. Based on currently available information, it is unclear whether CHEK2 c.1461+6T>C is pathogenic or benign. We consider it to be a variant of uncertain significance.

Literature cited by the submitters: PubMed 17576681 (cited by Labcorp Genetics (formerly Invitae), Labcorp); PubMed 9536098 (cited by Labcorp Genetics (formerly Invitae), Labcorp).

NM_007194.4(CHEK2):c.1461+6T>C

Gene: CHEK2 (checkpoint kinase 2; minus strand). Cytogenetic location: 22q12.1.
Variant type: single nucleotide variant.
Coding change: c.1461+6T>C on transcript NM_007194.4 (MANE Select); 6 bases into the intron after coding-DNA position 1461, T replaced by C.
Molecular consequence: intron variant.
Genome position (GRCh38, 1-based): chr22:28,694,026, A>G on the plus strand (T>C on the coding strand, the complement: CHEK2 is on the minus strand). VCF-style: chr22-28694026-A-G. GRCh37 (hg19) VCF-style: chr22-29090014-A-G.
Other names: c.798+6T>C (NM_001437942.1, NM_001257387.3); c.1260+6T>C (NM_001349956.3); c.1374+6T>C (NM_145862.3); c.1467+6T>C (NM_001438295.1); c.1554+6T>C (NM_001438293.1); c.1503+6T>C (NM_001438294.1); c.1590+6T>C (NM_001005735.3).
Identifiers: ClinVar variation 422651 (VCV000422651.19), dbSNP rs1064795915, ClinGen allele CA16621044.